The following is an entry in ClinVar:

NM_005219.5(DIAPH1):c.3179A>G (p.Asp1060Gly)

Gene: DIAPH1 (diaphanous related formin 1; minus strand). Cytogenetic location: 5q31.3.
Variant type: single nucleotide variant.
Coding change: c.3179A>G on transcript NM_005219.5 (MANE Select); coding-DNA position 3179, A replaced by G.
Protein change: p.Asp1060Gly; replaces aspartic acid 1060 with glycine.
Molecular consequence: missense variant.
Genome position (GRCh38, 1-based): chr5:141,527,667, T>C on the plus strand (A>G on the coding strand, the complement: DIAPH1 is on the minus strand). VCF-style: chr5-141527667-T-C. GRCh37 (hg19) VCF-style: chr5-140907234-T-C.
Other names: c.3152A>G, p.Asp1051Gly (NM_001079812.3); c.3179A>G, p.Asp1060Gly (NM_001314007.2); short protein forms D1051G, D1060G.
Identifiers: ClinVar variation 1467400 (VCV001467400.8), dbSNP rs1162981056, ClinGen allele CA361581587.
Genomic context (GRCh38, chr5:141,527,667, plus strand): 5'-GTGGCAGCTGGGAAATTCTGAACATCACGTTCCACATCAGAAATTTGTTTCTTCATCTGA[T>C]CTAGGTTCTTTTGCAAGTTTTCAGCAGAAACTAAAAAAAAAAAAAAAAAAAAAAACCATA-3'
Protein context (NP_005210.3, residues 1050-1070): VSAENLQKNL[Asp1060Gly]QMKKQISDVE

ClinVar aggregate classification (germline): Uncertain significance (1 of 4 stars; one submission).

Conditions:
Autosomal dominant nonsyndromic hearing loss 1. Also called: DEAFNESS, AUTOSOMAL DOMINANT 1, WITH OR WITHOUT THROMBOCYTOPENIA; KONIGSMARK SYNDROME. Identifiers: Orphanet 90635, MedGen C1852282, MONDO:0007424, OMIM 124900.
Progressive microcephaly-seizures-cortical blindness-developmental delay syndrome. Also called: Seizures, cortical blindness, and microcephaly syndrome. Identifiers: Orphanet 477814, MedGen C5567650, MONDO:0014714, OMIM 616632.

Allele frequency attached by ClinVar (database versions not stated): gnomAD exomes below 0.00001.
gnomAD v4.1: 3 of 1,588,488 alleles (0.00019%); highest among the groups gnomAD compares: Non-Finnish European, 0.00026%; no homozygotes.

Submission:

Labcorp Genetics (formerly Invitae), Labcorp
Classification: Uncertain significance for Progressive microcephaly-seizures-cortical blindness-developmental delay syndrome; Autosomal dominant nonsyndromic hearing loss 1. Last evaluated: 2020-12-08. Review status: criteria provided, single submitter. Criteria: Invitae Variant Classification Sherloc (09022015). Collection method: clinical testing. Allele origin: germline.
Comment: In summary, the available evidence is currently insufficient to determine the role of this variant in disease. Therefore, it has been classified as a Variant of Uncertain Significance. Algorithms developed to predict the effect of sequence changes on RNA splicing suggest that this variant may create or strengthen a splice site, but this prediction has not been confirmed by published transcriptional studies. Algorithms developed to predict the effect of missense changes on protein structure and function (SIFT, PolyPhen-2, Align-GVGD) all suggest that this variant is likely to be tolerated, but these predictions have not been confirmed by published functional studies and their clinical significance is uncertain. This variant has not been reported in the literature in individuals with DIAPH1-related conditions. This variant is not present in population databases (ExAC no frequency). This sequence change replaces aspartic acid with glycine at codon 1060 of the DIAPH1 protein (p.Asp1060Gly). The aspartic acid residue is moderately conserved and there is a moderate physicochemical difference between aspartic acid and glycine.